The following is an entry in ClinVar:

NM_001365951.3(KIF1B):c.3528C>G (p.Ile1176Met)

Gene: KIF1B (kinesin family member 1B; plus strand). Cytogenetic location: 1p36.22.
Variant type: single nucleotide variant.
Coding change: c.3528C>G on transcript NM_001365951.3 (MANE Select); coding-DNA position 3528, C replaced by G.
Protein change: p.Ile1176Met; replaces isoleucine 1176 with methionine.
Molecular consequence: missense variant.
Genome position (GRCh38, 1-based): chr1:10,342,064, C>G. VCF-style: chr1-10342064-C-G. GRCh37 (hg19) VCF-style: chr1-10402122-C-G.
Other names: c.3528C>G, p.Ile1176Met (NM_001365952.1); c.3390C>G, p.Ile1130Met (NM_015074.3); short protein forms I1130M, I1176M.
Identifiers: ClinVar variation 1730906 (VCV001730906.4), dbSNP rs748616468, ClinGen allele CA581811.
Genomic context (GRCh38, chr1:10,342,064, plus strand): 5'-AATGTGTATTTTCTTGTAATCTTTTCCTAATCTTGCTTGGCTTTAGATTGCAGTGGAGAT[C>G]ACTGAATCATTTGTGGATTACATCAAAACCAAGCCTATTGTATTTGAAGTCTTTGGGCAT-3'
Protein context (NP_001352880.1, residues 1166-1186): FYHVQNIAVE[Ile1176Met]TESFVDYIKT

ClinVar aggregate classification (germline): Conflicting classifications of pathogenicity. Review status: criteria provided, conflicting classifications (1 of 4 stars). 2 submissions from 2 submitters: Uncertain significance (1); Likely benign (1). Last evaluated 2025-09-01.

Conditions:
Charcot-Marie-Tooth disease type 2. Also called: Charcot-Marie-Tooth type 2. Identifiers: Orphanet 64746, MedGen C0270914, MONDO:0018993.

Allele frequency attached by ClinVar (database versions not stated): ExAC 0.00003.
gnomAD v4.1: 15 of 1,605,588 alleles (0.00093%); highest among the groups gnomAD compares: South Asian, 0.014%; no homozygotes.

Submissions (2):

Labcorp Genetics (formerly Invitae), Labcorp
Classification: Uncertain significance for Charcot-Marie-Tooth disease type 2. Last evaluated: 2025-09-01. Review status: criteria provided, single submitter. Criteria: Invitae Variant Classification Sherloc (09022015). Collection method: clinical testing. Allele origin: germline.
Comment: This sequence change replaces isoleucine, which is neutral and non-polar, with methionine, which is neutral and non-polar, at codon 1130 of the KIF1B protein (p.Ile1130Met). This variant is present in population databases (rs748616468, gnomAD 0.02%). This variant has not been reported in the literature in individuals affected with KIF1B-related conditions. ClinVar contains an entry for this variant (Variation ID: 1730906). An algorithm developed to predict the effect of missense changes on protein structure and function (PolyPhen-2) suggests that this variant is likely to be tolerated. In summary, the available evidence is currently insufficient to determine the role of this variant in disease. Therefore, it has been classified as a Variant of Uncertain Significance.

Ambry Genetics
Classification: Likely benign. Last evaluated: 2020-09-29. Review status: criteria provided, single submitter. Criteria: Ambry Variant Classification Scheme 2023. Collection method: clinical testing. Allele origin: germline.